The following is an entry in ClinVar:

NM_015474.4(SAMHD1):c.510G>C (p.Gly170=)

Gene: SAMHD1 (SAM and HD domain containing deoxynucleoside triphosphate triphosphohydrolase 1; minus strand). Cytogenetic location: 20q11.23.
Variant type: single nucleotide variant.
Coding change: c.510G>C on transcript NM_015474.4 (MANE Select); coding-DNA position 510, G replaced by C.
Protein change: p.Gly170=; no amino-acid change (glycine 170 retained).
Molecular consequence: synonymous variant.
Genome position (GRCh38, 1-based): chr20:36,930,875, C>G on the plus strand (G>C on the coding strand, the complement: SAMHD1 is on the minus strand). VCF-style: chr20-36930875-C-G. GRCh37 (hg19) VCF-style: chr20-35559278-C-G.
Other names: c.510G>C, p.Gly170= (NM_001363729.2, NM_001363733.2).
Identifiers: ClinVar variation 661658 (VCV000661658.9), dbSNP rs767971429, ClinGen allele CA9844714.

ClinVar aggregate classification (germline): Conflicting classifications of pathogenicity. Review status: criteria provided, conflicting classifications (1 of 4 stars). 4 submissions from 4 submitters: Uncertain significance (2); Likely benign (1). 1 of the submissions does not count toward it. Last evaluated 2025-11-20.

Conditions:
Inborn genetic diseases. Identifiers: MedGen C0950123, MeSH D030342.
Aicardi Goutieres syndrome (AGS). Also called: Encephalopathy, familial infantile, with calcification of basal ganglia and chronic cerebrospinal fluid lymphocytosis. Identifiers: Orphanet 51, MedGen C0393591, MONDO:0018866.
Aicardi-Goutieres syndrome 5. Identifiers: Orphanet 51, MedGen C2749659, MONDO:0013059, OMIM 612952.

Allele frequency attached by ClinVar (database versions not stated): ExAC 0.00001; gnomAD exomes 0.00001; gnomAD 0.00003 and 0.00004; TOPMed 0.00004.
gnomAD v4.1: 184 of 1,607,148 alleles (0.011%); highest among the groups gnomAD compares: Non-Finnish European, 0.015%; no homozygotes.

Submissions (4):

Women's Health and Genetics/Laboratory Corporation of America, LabCorp
Classification: Uncertain significance. Last evaluated: 2025-11-20. Review status: criteria provided, single submitter. Criteria: LabCorp Variant Classification Summary - May 2015. Collection method: clinical testing. Allele origin: germline.
Comment: Variant summary: SAMHD1 c.510G>C (p.Gly170Gly) alters a conserved nucleotide located close to a canonical splice site and therefore could affect mRNA splicing, leading to a significantly altered protein sequence. Consensus agreement among computation tools predict no significant impact on normal splicing. However, these predictions have yet to be confirmed by functional studies. The variant allele was found at a frequency of 1.2e-05 in 251252 control chromosomes. The available data on variant occurrences in the general population are insufficient to allow any conclusion about variant significance. To our knowledge, no occurrence of c.510G>C in individuals affected with SAMHD1-related conditions and no experimental evidence demonstrating its impact on protein function have been reported. ClinVar contains an entry for this variant (Variation ID: 661658). Based on the evidence outlined above, the variant was classified as uncertain significance.

Ambry Genetics
Classification: Likely benign for Inborn genetic diseases. Last evaluated: 2025-03-03. Review status: criteria provided, single submitter. Criteria: Ambry Variant Classification Scheme 2023. Collection method: clinical testing. Allele origin: germline.

Labcorp Genetics (formerly Invitae), Labcorp
Classification: Uncertain significance for Aicardi-Goutieres syndrome 5. Last evaluated: 2024-11-08. Review status: criteria provided, single submitter. Criteria: Invitae Variant Classification Sherloc (09022015). Collection method: clinical testing. Allele origin: germline.
Comment: This sequence change affects codon 170 of the SAMHD1 mRNA. It is a 'silent' change, meaning that it does not change the encoded amino acid sequence of the SAMHD1 protein. It affects a nucleotide within the consensus splice site. This variant is present in population databases (rs767971429, gnomAD 0.006%). This variant has not been reported in the literature in individuals affected with SAMHD1-related conditions. ClinVar contains an entry for this variant (Variation ID: 661658). Algorithms developed to predict the effect of sequence changes on RNA splicing suggest that this variant is not likely to affect RNA splicing. In summary, the available evidence is currently insufficient to determine the role of this variant in disease. Therefore, it has been classified as a Variant of Uncertain Significance.

Natera, Inc.
Classification: Uncertain significance for Aicardi-Goutieres syndrome. Last evaluated: 2020-09-16. Review status: no assertion criteria provided. Collection method: clinical testing. Allele origin: germline. Not counted in ClinVar's aggregate classification.